The following is an entry in ClinVar:

ClinVar aggregate classification (germline): Uncertain significance (1 of 4 stars; one submission).

Submission:

Labcorp Genetics (formerly Invitae), Labcorp
Classification: Uncertain significance. Last evaluated: 2022-10-05. Review status: criteria provided, single submitter. Criteria: Invitae Variant Classification Sherloc (09022015). Collection method: clinical testing. Allele origin: germline.
Comment: This variant is located within the Sm protein-binding region of the RNU4ATAC RNA, which is important for small nuclear RNA maturation (PMID: 32628740). A significant number of disease-associated RNU4ATAC variants are found in this region (PMID: 32628740, 30368667). ClinVar contains an entry for this variant (Variation ID: 1365664). This variant has not been reported in the literature in individuals affected with RNU4ATAC-related conditions. This variant is not present in population databases (gnomAD no frequency). This variant occurs in the RNU4ATAC gene, which encodes an RNA molecule that does not result in a protein product. In summary, the available evidence is currently insufficient to determine the role of this variant in disease. Therefore, it has been classified as a Variant of Uncertain Significance.

Literature cited by the submitters: PubMed 32628740; PubMed 30368667.

NC_000002.12:g.121531002G>C

Genes: CLASP1 (cytoplasmic linker associated protein 1; minus strand), CLASP1-AS1 (CLASP1 antisense RNA 1; plus strand), RNU4ATAC (RNA, U4atac small nuclear; plus strand). Cytogenetic location: 2q14.2.
Variant type: single nucleotide variant.
Molecular consequence: intron variant (on NM_001395891.1).
Genome position: GRCh38 VCF-style: chr2-121531002-G-C. GRCh37 (hg19) VCF-style: chr2-122288578-G-C.
Other names: c.196-677C>G (NM_001142274.2, NM_015282.3, NM_001378003.1 and 5 more transcripts).
Identifiers: ClinVar variation 1365664 (VCV001365664.6), dbSNP rs750459950, ClinGen allele CA428888244.